The following is an entry in ClinVar:

ClinVar aggregate classification (germline): Conflicting classifications of pathogenicity. Review status: criteria provided, conflicting classifications (1 of 4 stars). 3 submissions from 3 submitters: Uncertain significance (1); Likely benign (2). Last evaluated 2025-05-12.

Conditions:
Adams-Oliver syndrome 5 (AOS5). Identifiers: Orphanet 974, MedGen C4014970, MONDO:0014459, OMIM 616028.
Familial thoracic aortic aneurysm and aortic dissection (TAAD). Also called: Thoracic aortic aneurysms and dissections. Identifiers: Orphanet 91387, MedGen C4707243, MONDO:0019625.

Allele frequency attached by ClinVar (database versions not stated): TOPMed below 0.00001; ExAC 0.00001; gnomAD 0.00001; gnomAD exomes 0.00001.
gnomAD v4.1: 8 of 1,608,302 alleles (0.0005%); highest among the groups gnomAD compares: African/African-American, 0.004%; no homozygotes.

Submissions (3):

Labcorp Genetics (formerly Invitae), Labcorp
Classification: Likely benign for Adams-Oliver syndrome 5. Last evaluated: 2025-05-12. Review status: criteria provided, single submitter. Criteria: Invitae Variant Classification Sherloc (09022015). Collection method: clinical testing. Allele origin: germline.

Blueprint Genetics
Classification: Likely benign. Last evaluated: 2024-06-10. Review status: criteria provided, single submitter. Criteria: ACMG Guidelines, 2015. Collection method: clinical testing. Allele origin: germline.

Ambry Genetics
Classification: Uncertain significance for Familial thoracic aortic aneurysm and aortic dissection. Last evaluated: 2021-10-29. Review status: criteria provided, single submitter. Criteria: Ambry Variant Classification Scheme 2023. Collection method: clinical testing. Allele origin: germline.
Comment: The c.1256-5G>A intronic variant results from a G to A substitution 5 nucleotides upstream from coding exon 8 in the NOTCH1 gene. This nucleotide position is not well conserved in available vertebrate species. In silico splice site analysis predicts that this alteration will not have any significant effect on splicing. Since supporting evidence is limited at this time, the clinical significance of this alteration remains unclear.

NM_017617.5(NOTCH1):c.1256-5G>A

Gene: NOTCH1 (notch receptor 1; minus strand). Cytogenetic location: 9q34.3.
Variant type: single nucleotide variant.
Coding change: c.1256-5G>A on transcript NM_017617.5 (MANE Select); 5 bases into the intron before coding-DNA position 1256, G replaced by A.
Molecular consequence: intron variant.
Genome position (GRCh38, 1-based): chr9:136,517,942, C>T on the plus strand (G>A on the coding strand, the complement: NOTCH1 is on the minus strand). VCF-style: chr9-136517942-C-T. GRCh37 (hg19) VCF-style: chr9-139412394-C-T.
Other names: c.1256-5G>A (LRG_1122t1).
Identifiers: ClinVar variation 519564 (VCV000519564.7), dbSNP rs773981257, ClinGen allele CA5341845.